The following is an entry in ClinVar:

ClinVar aggregate classification (germline): Uncertain significance. Review status: criteria provided, multiple submitters, no conflicts (2 of 4 stars). 2 submissions from 2 submitters: Uncertain significance (2). Last evaluated 2025-09-02.

Conditions:
5-Oxoprolinase deficiency (OPLAHD). Also called: 5-OXOPROLINURIA DUE TO 5-OXOPROLINASE DEFICIENCY. Identifiers: Orphanet 33572, MedGen C0268525, MONDO:0009825, OMIM 260005, HP:0040142.

Allele frequency attached by ClinVar (database versions not stated): ExAC 0.00003; gnomAD exomes 0.00003; TOPMed 0.00008; gnomAD 0.00011.
gnomAD v4.1: 54 of 1,584,132 alleles (0.0034%); highest among the groups gnomAD compares: Admixed American, 0.029%; no homozygotes.

Submissions (2):

Labcorp Genetics (formerly Invitae), Labcorp
Classification: Uncertain significance for 5-Oxoprolinase deficiency. Last evaluated: 2025-09-02. Review status: criteria provided, single submitter. Criteria: Invitae Variant Classification Sherloc (09022015). Collection method: clinical testing. Allele origin: germline.
Comment: This sequence change replaces arginine, which is basic and polar, with cysteine, which is neutral and slightly polar, at codon 144 of the OPLAH protein (p.Arg144Cys). The frequency data for this variant in the population databases is considered unreliable, as metrics indicate poor data quality at this position in the gnomAD database. This variant has not been reported in the literature in individuals affected with OPLAH-related conditions. ClinVar contains an entry for this variant (Variation ID: 657572). An algorithm developed to predict the effect of missense changes on protein structure and function (PolyPhen-2) suggests that this variant is likely to be disruptive. In summary, the available evidence is currently insufficient to determine the role of this variant in disease. Therefore, it has been classified as a Variant of Uncertain Significance.

Fulgent Genetics
Classification: Uncertain significance for 5-Oxoprolinase deficiency. Last evaluated: 2021-12-02. Review status: criteria provided, single submitter. Criteria: ACMG Guidelines, 2015. Collection method: clinical testing. Allele origin: unknown.

NM_017570.5(OPLAH):c.430C>T (p.Arg144Cys)

Gene: OPLAH (5-oxoprolinase, ATP-hydrolysing; minus strand). Cytogenetic location: 8q24.3.
Variant type: single nucleotide variant.
Coding change: c.430C>T on transcript NM_017570.5 (MANE Select); coding-DNA position 430, C replaced by T.
Protein change: p.Arg144Cys; replaces arginine 144 with cysteine.
Molecular consequence: missense variant.
Genome position (GRCh38, 1-based): chr8:144,059,013, G>A on the plus strand (C>T on the coding strand, the complement: OPLAH is on the minus strand). VCF-style: chr8-144059013-G-A. GRCh37 (hg19) VCF-style: chr8-145113916-G-A.
Other names: short protein forms R144C.
Identifiers: ClinVar variation 657572 (VCV000657572.5), dbSNP rs782533601, ClinGen allele CA4932295.